The following is an entry in ClinVar:

ClinVar aggregate classification (germline): Pathogenic/Likely pathogenic. Review status: criteria provided, multiple submitters, no conflicts (2 of 4 stars). 5 submissions from 5 submitters: Pathogenic (3); Likely pathogenic (1). 1 of the submissions does not count toward it. Last evaluated 2022-10-28.

Conditions:
Tuberous sclerosis syndrome (TSC). Also called: Tuberous Sclerosis Complex; Tuberous sclerosis. Identifiers: Orphanet 805, MedGen C0041341, MONDO:0001734.
Tuberous sclerosis 2 (TSC2). Identifiers: Orphanet 805, MedGen C1860707, MONDO:0013199, OMIM 613254.
Hereditary cancer-predisposing syndrome. Also called: Neoplastic Syndromes, Hereditary; Tumor predisposition; Hereditary Cancer Syndrome; Hereditary neoplastic syndrome. Identifiers: Orphanet 140162, MedGen C0027672, MeSH D009386, MONDO:0015356.

Submissions (5):

Labcorp Genetics (formerly Invitae), Labcorp
Classification: Pathogenic for Tuberous sclerosis 2. Last evaluated: 2022-10-28. Review status: criteria provided, single submitter. Criteria: Invitae Variant Classification Sherloc (09022015). Collection method: clinical testing. Allele origin: germline.
Comment: ClinVar contains an entry for this variant (Variation ID: 49388). For these reasons, this variant has been classified as Pathogenic. Algorithms developed to predict the effect of sequence changes on RNA splicing suggest that this variant may disrupt the consensus splice site. Disruption of this splice site has been observed in individuals with tuberous sclerosis complex (PMID: 10735580; Invitae). This variant is not present in population databases (gnomAD no frequency). This sequence change affects an acceptor splice site in intron 9 of the TSC2 gene. It is expected to disrupt RNA splicing. Variants that disrupt the donor or acceptor splice site typically lead to a loss of protein function (PMID: 16199547), and loss-of-function variants in TSC2 are known to be pathogenic (PMID: 10205261, 17304050).

Genome-Nilou Lab
Classification: Likely pathogenic for Tuberous sclerosis 2. Last evaluated: 2021-11-07. Review status: criteria provided, single submitter. Criteria: ACMG Guidelines, 2015. Collection method: clinical testing. Allele origin: germline. Affected: no.

Ambry Genetics
Classification: Pathogenic for Hereditary cancer-predisposing syndrome. Last evaluated: 2018-05-21. Review status: criteria provided, single submitter. Criteria: Ambry Variant Classification Scheme 2023. Collection method: clinical testing. Allele origin: germline.
Comment: The c.849-1G>A intronic pathogenic mutation results from a G to A substitution one nucleotide upstream from coding exon 9 of the TSC2 gene. This alteration has been identified in patients reportedly meeting diagnostic criteria for tuberous sclerosis; however, clinical details were limited (Choy YS et al. Ann. Hum. Genet. 1999 Sep;63(Pt 5):383-91; Dabora SL et al. Am. J. Hum. Genet. 2001 Jan;68:64-80; Ambry internal data). In addition to the clinical data presented in the literature, alterations that disrupt the canonical splice site are expected to cause aberrant splicing, resulting in an abnormal protein or a transcript that is subject to nonsense-mediated mRNA decay. Based on the supporting evidence, this alteration is interpreted as a disease-causing mutation.

GeneDx
Classification: Pathogenic. Last evaluated: 2015-04-14. Review status: criteria provided, single submitter. Criteria: GeneDx Variant Classification (06012015). Collection method: clinical testing. Allele origin: germline. Affected: yes.
Comment: The c.849-1 G>A splice site variant in the TSC2 gene has been reported previously in association withtuberous sclerosis (Choy et al., 1999). Thisvariant destroys the canonical splice acceptor site in intron 9,and is expected to cause abnormal gene splicing. Therefore, we interpret this variant to be pathogenic.

Tuberous sclerosis database (TSC2)
No classification provided. Condition: TSC. Review status: no classification provided. Criteria: Tuberous Sclerosis Database Assertion Criteria 2015. Collection method: curation. Allele origin: germline. Affected: yes. Not counted in ClinVar's aggregate classification.

Literature cited by the submitters: PubMed 10735580 (cited by Labcorp Genetics (formerly Invitae), Labcorp and Ambry Genetics); PubMed 16199547 (cited by Labcorp Genetics (formerly Invitae), Labcorp); PubMed 10205261 (cited by Labcorp Genetics (formerly Invitae), Labcorp); PubMed 17304050 (cited by Labcorp Genetics (formerly Invitae), Labcorp); PubMed 11112665 (cited by Ambry Genetics).

NM_000548.5(TSC2):c.849-1G>A

Gene: TSC2 (TSC complex subunit 2; plus strand). Cytogenetic location: 16p13.3.
Variant type: single nucleotide variant.
Coding change: c.849-1G>A on transcript NM_000548.5 (MANE Select); the canonical splice acceptor site of the intron before coding-DNA position 849, G replaced by A.
Molecular consequence: splice acceptor variant.
Genome position (GRCh38, 1-based): chr16:2,058,746, G>A. VCF-style: chr16-2058746-G-A. GRCh37 (hg19) VCF-style: chr16-2108747-G-A.
Other names: c.-583-1G>A (NM_001406693.1, NM_001406689.1, NM_001406690.1 and 4 more transcripts); c.939-1G>A (NM_001406667.1, NM_001406668.1); c.249-1G>A (NM_001406680.1, NM_001406683.1, NM_001406687.1 and 6 more transcripts); c.-759-1G>A (NM_001406698.1); c.849-1G>A (NM_001114382.3, NM_001406663.1, NM_001406664.1 and 6 more transcripts); c.-464-1G>A (NM_001406694.1, NM_001406695.1); c.837-1G>A (NM_001406671.1, NM_001406673.1); c.387-1G>A (NM_001406681.1); and 4 more.
Identifiers: ClinVar variation 49388 (VCV000049388.15), dbSNP rs45506396, ClinGen allele CA023038.
Genomic context (GRCh38, chr16:2,058,746, plus strand): 5'-CCATGGCGGACCCTGGGACAGGGCCCTGCTCACATTCCGTCTCTCTGGGGAACACTTTTA[G>A]AGCCTACATGGAGGACGCGCCCCTGCTGAGAGGAGCCGTGTTTTTTGTGGGCATGGCTCT-3'